The following is an entry in ClinVar:

NM_000548.5(TSC2):c.245G>A (p.Trp82Ter)

Gene: TSC2 (TSC complex subunit 2; plus strand). Cytogenetic location: 16p13.3.
Variant type: single nucleotide variant.
Coding change: c.245G>A on transcript NM_000548.5 (MANE Select); coding-DNA position 245, G replaced by A.
Protein change: p.Trp82Ter; replaces tryptophan 82 with a stop codon.
Molecular consequence: nonsense. On other transcripts: intron variant (2).
Genome position (GRCh38, 1-based): chr16:2,053,361, G>A. VCF-style: chr16-2053361-G-A. GRCh37 (hg19) VCF-style: chr16-2103362-G-A.
Other names: c.245G>A, p.Trp82Ter (NM_001077183.3, NM_001114382.3, NM_001363528.2 and 3 more transcripts); c.98G>A, p.Trp33Ter (NM_001318829.2); c.278G>A, p.Trp93Ter (NM_001318832.2); c.226-935G>A (NM_001318827.2); c.-1-2835G>A (NM_001318831.2); short protein forms W82*, W33*, W93*.
Identifiers: ClinVar variation 64913 (VCV000064913.7), dbSNP rs397514933, ClinGen allele CA017462.

ClinVar aggregate classification (germline): Pathogenic. Review status: criteria provided, single submitter (1 of 4 stars). 2 submissions from 2 submitters: Pathogenic (1). 1 of the submissions does not count toward it. Last evaluated 2022-04-12.

Conditions:
Tuberous sclerosis 2 (TSC2). Identifiers: Orphanet 805, MedGen C1860707, MONDO:0013199, OMIM 613254.
Tuberous sclerosis syndrome (TSC). Also called: Tuberous Sclerosis Complex; Tuberous sclerosis. Identifiers: Orphanet 805, MedGen C0041341, MONDO:0001734.

Submissions (2):

Labcorp Genetics (formerly Invitae), Labcorp
Classification: Pathogenic for Tuberous sclerosis 2. Last evaluated: 2022-04-12. Review status: criteria provided, single submitter. Criteria: Invitae Variant Classification Sherloc (09022015). Collection method: clinical testing. Allele origin: germline.
Comment: This variant is not present in population databases (gnomAD no frequency). This sequence change creates a premature translational stop signal (p.Trp82*) in the TSC2 gene. It is expected to result in an absent or disrupted protein product. Loss-of-function variants in TSC2 are known to be pathogenic (PMID: 10205261, 17304050). This premature translational stop signal has been observed in individual(s) with tuberous sclerosis complex (PMID: 24789117). In at least one individual the variant was observed to be de novo. ClinVar contains an entry for this variant (Variation ID: 64913). For these reasons, this variant has been classified as Pathogenic.

Tuberous sclerosis database (TSC2)
No classification provided. Condition: TSC. Review status: no classification provided. Criteria: Tuberous Sclerosis Database Assertion Criteria 2015. Collection method: curation. Allele origin: germline. Affected: yes. Not counted in ClinVar's aggregate classification.

Literature cited by the submitters: PubMed 10205261 (cited by Labcorp Genetics (formerly Invitae), Labcorp); PubMed 17304050 (cited by Labcorp Genetics (formerly Invitae), Labcorp); PubMed 24789117 (cited by Labcorp Genetics (formerly Invitae), Labcorp).